The following is an entry in ClinVar:

ClinVar aggregate classification (germline): Uncertain significance (1 of 4 stars; one submission).

Conditions:
Developmental and epileptic encephalopathy, 34 (DEE34). Also called: SLC12A5-Related Epilepsy of Infancy with Migrating Focal Seizures; Early infantile epileptic encephalopathy 34. Identifiers: Orphanet 293181, MedGen C4225257, MONDO:0014718, OMIM 616645.

Allele frequency attached by ClinVar (database versions not stated): gnomAD exomes below 0.00001; TOPMed 0.00001.
gnomAD v4.1: 3 of 1,614,134 alleles (0.00019%); highest among the groups gnomAD compares: Non-Finnish European, 0.00025%; no homozygotes.

Submission:

Labcorp Genetics (formerly Invitae), Labcorp
Classification: Uncertain significance for Developmental and epileptic encephalopathy, 34. Last evaluated: 2024-02-17. Review status: criteria provided, single submitter. Criteria: Invitae Variant Classification Sherloc (09022015). Collection method: clinical testing. Allele origin: germline.
Comment: This sequence change replaces glutamic acid, which is acidic and polar, with aspartic acid, which is acidic and polar, at codon 1089 of the SLC12A5 protein (p.Glu1089Asp). This variant is not present in population databases (gnomAD no frequency). This variant has not been reported in the literature in individuals affected with SLC12A5-related conditions. ClinVar contains an entry for this variant (Variation ID: 1026794). Advanced modeling of protein sequence and biophysical properties (such as structural, functional, and spatial information, amino acid conservation, physicochemical variation, residue mobility, and thermodynamic stability) performed at Invitae indicates that this missense variant is not expected to disrupt SLC12A5 protein function with a negative predictive value of 95%. In summary, the available evidence is currently insufficient to determine the role of this variant in disease. Therefore, it has been classified as a Variant of Uncertain Significance.

NM_020708.5(SLC12A5):c.3267G>T (p.Glu1089Asp)

Genes: SLC12A5 (solute carrier family 12 member 5; plus strand), LOC113960611 (Sharpr-MPRA regulatory region 3425; plus strand). Cytogenetic location: 20q13.12.
Variant type: single nucleotide variant.
Coding change: c.3267G>T on transcript NM_020708.5 (MANE Select); coding-DNA position 3267, G replaced by T.
Protein change: p.Glu1089Asp; replaces glutamic acid 1089 with aspartic acid.
Molecular consequence: missense variant.
Genome position (GRCh38, 1-based): chr20:46,057,521, G>T. VCF-style: chr20-46057521-G-T. GRCh37 (hg19) VCF-style: chr20-44686160-G-T.
Other names: c.3336G>T, p.Glu1112Asp (NM_001134771.2); short protein forms E1089D, E1112D.
Identifiers: ClinVar variation 1026794 (VCV001026794.9), dbSNP rs374697509, ClinGen allele CA409210286.